The following is an entry in ClinVar:

NM_001844.5(COL2A1):c.2029_2030delinsAA (p.Gly677Asn)

Gene: COL2A1 (collagen type II alpha 1 chain; minus strand). Cytogenetic location: 12q13.11.
Variant type: Indel.
Coding change: c.2029_2030delinsAA on transcript NM_001844.5 (MANE Select); coding-DNA positions 2029 to 2030, GG replaced by AA.
Protein change: p.Gly677Asn; replaces glycine 677 with asparagine.
Molecular consequence: missense variant.
Genome position (GRCh38, 1-based): chr12:47,983,404-47,983,405, CC replaced by TT on the plus strand (GG replaced by AA on the coding strand, the reverse complement: COL2A1 is on the minus strand). VCF-style: chr12-47983404-CC-TT. GRCh37 (hg19) VCF-style: chr12-48377187-CC-TT.
Other names: c.1822_1823delinsAA, p.Gly608Asn (NM_033150.3); short protein forms G608N, G677N.
Identifiers: ClinVar variation 1473631 (VCV001473631.8), dbSNP rs2136554903, ClinGen allele CA2573148598.

ClinVar aggregate classification (germline): Uncertain significance (1 of 4 stars; one submission).

Submission:

Labcorp Genetics (formerly Invitae), Labcorp
Classification: Uncertain significance. Last evaluated: 2025-12-31. Review status: criteria provided, single submitter. Criteria: Invitae Variant Classification Sherloc (09022015). Collection method: clinical testing. Allele origin: germline.
Comment: This sequence change replaces glycine, which is neutral and non-polar, with asparagine, which is neutral and polar, at codon 677 of the COL2A1 protein (p.Gly677Asn). Information on the frequency of this variant in the gnomAD database is not available, as this variant may be reported differently in the database. This variant has not been reported in the literature in individuals affected with COL2A1-related conditions. ClinVar contains an entry for this variant (Variation ID: 1473631). An algorithm developed to predict the effect of missense changes on protein structure and function (PolyPhen-2) suggests that this variant is likely to be disruptive. In summary, the available evidence is currently insufficient to determine the role of this variant in disease. Therefore, it has been classified as a Variant of Uncertain Significance.